The following is an entry in ClinVar:

ClinVar aggregate classification (germline): Uncertain significance (1 of 4 stars; one submission).

Allele frequency attached by ClinVar (database versions not stated): gnomAD exomes below 0.00001; ExAC 0.00001.
gnomAD v4.1: 2 of 1,605,112 alleles (0.00012%); highest among the groups gnomAD compares: Admixed American, 0.0034%; no homozygotes.

Submission:

Labcorp Genetics (formerly Invitae), Labcorp
Classification: Uncertain significance. Last evaluated: 2024-01-02. Review status: criteria provided, single submitter. Criteria: Invitae Variant Classification Sherloc (09022015). Collection method: clinical testing. Allele origin: germline.
Comment: This sequence change replaces proline, which is neutral and non-polar, with serine, which is neutral and polar, at codon 958 of the DGKZ protein (p.Pro958Ser). This variant is present in population databases (rs768153991, gnomAD 0.003%). This variant has not been reported in the literature in individuals affected with DGKZ-related conditions. ClinVar contains an entry for this variant (Variation ID: 2038175). An algorithm developed to predict the effect of missense changes on protein structure and function (PolyPhen-2) suggests that this variant is likely to be tolerated. In summary, the available evidence is currently insufficient to determine the role of this variant in disease. Therefore, it has been classified as a Variant of Uncertain Significance.

NM_001199267.2(DGKZ):c.2305C>T (p.Pro769Ser)

Gene: DGKZ (diacylglycerol kinase zeta; plus strand). Cytogenetic location: 11p11.2.
Variant type: single nucleotide variant.
Coding change: c.2305C>T on transcript NM_001199267.2 (MANE Select); coding-DNA position 2305, C replaced by T.
Protein change: p.Pro769Ser; replaces proline 769 with serine.
Molecular consequence: missense variant.
Genome position (GRCh38, 1-based): chr11:46,377,178, C>T. VCF-style: chr11-46377178-C-T. GRCh37 (hg19) VCF-style: chr11-46398728-C-T.
Other names: c.2872C>T, p.Pro958Ser (NM_001105540.2); c.2308C>T, p.Pro770Ser (NM_001199266.2, NM_003646.4); c.2239C>T, p.Pro747Ser (NM_001199268.2); c.2356C>T, p.Pro786Ser (NM_201532.3); c.2320C>T, p.Pro774Ser (NM_201533.3); short protein forms P747S, P769S, P786S, P958S, P770S, P774S.
Identifiers: ClinVar variation 2038175 (VCV002038175.4), dbSNP rs768153991, ClinGen allele CA5963166.